The following is an entry in ClinVar:

ClinVar aggregate classification (germline): Uncertain significance (1 of 4 stars; one submission).

Submission:

Labcorp Genetics (formerly Invitae), Labcorp
Classification: Uncertain significance. Last evaluated: 2022-08-31. Review status: criteria provided, single submitter. Criteria: Invitae Variant Classification Sherloc (09022015). Collection method: clinical testing. Allele origin: germline.
Comment: This variant has not been reported in the literature in individuals affected with MTFMT-related conditions. In summary, the available evidence is currently insufficient to determine the role of this variant in disease. Therefore, it has been classified as a Variant of Uncertain Significance. Algorithms developed to predict the effect of missense changes on protein structure and function are either unavailable or do not agree on the potential impact of this missense change (SIFT: "Deleterious"; PolyPhen-2: "Benign"; Align-GVGD: "Class C0"). This variant is not present in population databases (gnomAD no frequency). This sequence change replaces cysteine, which is neutral and slightly polar, with serine, which is neutral and polar, at codon 8 of the MTFMT protein (p.Cys8Ser).

NM_139242.4(MTFMT):c.23G>C (p.Cys8Ser)

Gene: MTFMT (mitochondrial methionyl-tRNA formyltransferase; minus strand). Cytogenetic location: 15q22.31.
Variant type: single nucleotide variant.
Coding change: c.23G>C on transcript NM_139242.4 (MANE Select); coding-DNA position 23, G replaced by C.
Protein change: p.Cys8Ser; replaces cysteine 8 with serine.
Molecular consequence: missense variant.
Genome position (GRCh38, 1-based): chr15:65,029,591, C>G on the plus strand (G>C on the coding strand, the complement: MTFMT is on the minus strand). VCF-style: chr15-65029591-C-G. GRCh37 (hg19) VCF-style: chr15-65321929-C-G.
Other names: short protein forms C8S.
Identifiers: ClinVar variation 2070123 (VCV002070123.4), dbSNP rs1272083402, ClinGen allele CA392863709.